The following is an entry in ClinVar:

NM_002103.5(GYS1):c.297C>T (p.Cys99=)

Gene: GYS1 (glycogen synthase 1; minus strand). Cytogenetic location: 19q13.33.
Variant type: single nucleotide variant.
Coding change: c.297C>T on transcript NM_002103.5 (MANE Select); coding-DNA position 297, C replaced by T.
Protein change: p.Cys99=; no amino-acid change (cysteine 99 retained).
Molecular consequence: synonymous variant.
Genome position (GRCh38, 1-based): chr19:48,991,305, G>A on the plus strand (C>T on the coding strand, the complement: GYS1 is on the minus strand). VCF-style: chr19-48991305-G-A. GRCh37 (hg19) VCF-style: chr19-49494562-G-A.
Other names: c.297C>T (NM_002103.4); c.297C>T, p.Cys99= (NM_001161587.2).
Identifiers: ClinVar variation 1982248 (VCV001982248.5), dbSNP rs2513737311, ClinGen allele CA508089006.
Genomic context (GRCh38, chr19:48,991,305, plus strand): 5'-CCCACCCCGATGGCAGGCTGTCCACCCGCTTCTGCCCTGGGCTGGGCCACGTCCCACCTT[G>A]CAGCCCTTGCTGTTCATGGAATCCAGTGTCCTCTTCAGGGCCGGGGTGGGGGCCTCCAGC-3'
Protein context (NP_002094.2, residues 89-109): RTLDSMNSKG[Cys99=]KVYFGRWLIE

ClinVar aggregate classification (germline): Conflicting classifications of pathogenicity. Review status: criteria provided, conflicting classifications (1 of 4 stars). 2 submissions from 2 submitters: Uncertain significance (1); Likely benign (1). Last evaluated 2025-08-21.

Conditions:
GYS1-related disorder. Also called: GYS1-related condition.
Glycogen storage disease due to muscle and heart glycogen synthase deficiency. Also called: MUSCLE GLYCOGEN SYNTHASE DEFICIENCY; GSD 0b. Identifiers: Orphanet 137625, MedGen C1969054, MONDO:0012693, OMIM 611556.

Submissions (2):

Labcorp Genetics (formerly Invitae), Labcorp
Classification: Likely benign for Glycogen storage disease due to muscle and heart glycogen synthase deficiency. Last evaluated: 2025-08-21. Review status: criteria provided, single submitter. Criteria: Invitae Variant Classification Sherloc (09022015). Collection method: clinical testing. Allele origin: germline.

PreventionGenetics, part of Exact Sciences
Classification: Uncertain significance for GYS1-related condition. Last evaluated: 2023-06-30. Review status: criteria provided, single submitter. Criteria: ACMG Guidelines, 2015. Collection method: clinical testing. Allele origin: germline.
Comment: The GYS1 c.297C>T variant is not predicted to result in an amino acid change (p.=). To our knowledge, this variant has not been reported in the literature or in a large population database, indicating this variant is rare. At this time, the clinical significance of this variant is uncertain due to the absence of conclusive functional and genetic evidence.